The following is an entry in ClinVar:

ClinVar aggregate classification (germline): Likely pathogenic (0 of 4 stars; one submission).

Conditions:
Retinitis pigmentosa (RP). Identifiers: Orphanet 791, MedGen C0035334, MeSH D012174, MONDO:0019200, OMIM 268000. Inheritance: Autosomal dominant, autosomal recessive and X linked inheritance.

Allele frequency attached by ClinVar (database versions not stated): gnomAD 0.00001.

Submission:

Department of Ophthalmology and Visual Sciences Kyoto University
Classification: Likely pathogenic for Retinitis pigmentosa. Review status: no assertion criteria provided. Collection method: not provided. Allele origin: unknown.
ClinVar note: Converted during submission from probable-pathogenic to Likely pathogenic.

NM_001142800.2(EYS):c.4395_4402dup (p.Asp1468fs)

Gene: EYS (EGF-like photoreceptor maintenance factor; minus strand). Cytogenetic location: 6q12.
Variant type: Duplication.
Coding change: c.4395_4402dup on transcript NM_001142800.2 (MANE Select); coding-DNA positions 4395 to 4402, 8 bases duplicated (TCAAGAGG; older notation c.4395_4402dupTCAAGAGG).
Protein change: p.Asp1468fs; shifts the reading frame from aspartic acid 1468.
Molecular consequence: frameshift variant.
Genome position (GRCh38, 1-based): chr6:64,591,465-64,591,472, CCTCTTGA duplicated on the plus strand (TCAAGAGG on the coding strand, the reverse complement: EYS is on the minus strand). VCF-style (leftmost placement, unchanged base first): chr6-64591464-T-TCCTCTTGA. GRCh37 (hg19) VCF-style: chr6-65301357-T-TCCTCTTGA.
Other names: c.4395_4402dup, p.Asp1468fs (NM_001292009.2); short protein forms D1468fs.
Identifiers: ClinVar variation 143104 (VCV000143104.2), dbSNP rs527236073, ClinGen allele CA270054.